The following is an entry in ClinVar:

ClinVar aggregate classification (germline): Uncertain significance (1 of 4 stars; one submission).

Conditions:
Hereditary cancer-predisposing syndrome. Also called: Hereditary Cancer Syndrome; Tumor predisposition; Hereditary neoplastic syndrome; Neoplastic Syndromes, Hereditary. Identifiers: Orphanet 140162, MedGen C0027672, MeSH D009386, MONDO:0015356.
Cardiovascular phenotype. Identifiers: MedGen CN230736.

Submission:

Ambry Genetics
Classification: Uncertain significance for Cardiovascular phenotype; Hereditary cancer-predisposing syndrome. Last evaluated: 2024-10-05. Review status: criteria provided, single submitter. Criteria: Ambry Variant Classification Scheme 2023. Collection method: clinical testing. Allele origin: germline.
Comment: The p.T976S variant (also known as c.2926A>T), located in coding exon 22 of the NF1 gene, results from an A to T substitution at nucleotide position 2926. The threonine at codon 976 is replaced by serine, an amino acid with similar properties. This amino acid position is conserved. In addition, this alteration is predicted to be tolerated by in silico analysis. Based on the available evidence, the clinical significance of this variant remains unclear.

NM_001042492.3(NF1):c.2926A>T (p.Thr976Ser)

Gene: NF1 (neurofibromin 1; plus strand). Cytogenetic location: 17q11.2.
Variant type: single nucleotide variant.
Coding change: c.2926A>T on transcript NM_001042492.3 (MANE Select); coding-DNA position 2926, A replaced by T.
Protein change: p.Thr976Ser; replaces threonine 976 with serine.
Molecular consequence: missense variant.
Genome position (GRCh38, 1-based): chr17:31,229,910, A>T. VCF-style: chr17-31229910-A-T. GRCh37 (hg19) VCF-style: chr17-29556928-A-T.
Other names: c.2926A>T, p.Thr976Ser (NM_000267.4); short protein forms T976S.
Identifiers: ClinVar variation 3404778 (VCV003404778.1).